The following is an entry in ClinVar:

ClinVar aggregate classification (germline): Uncertain significance (1 of 4 stars; one submission).

Conditions:
Epidermolysis bullosa simplex 5B, with muscular dystrophy (EBS5B). Also called: EPIDERMOLYSIS BULLOSA SIMPLEX AND LIMB-GIRDLE MUSCULAR DYSTROPHY; Epidermolysis bullosa simplex with muscular dystrophy. Identifiers: Orphanet 257, MedGen C2931072, MONDO:0009181, OMIM 226670.
Epidermolysis bullosa simplex, Ogna type (EBS5A). Also called: Pidermolysis bullosa simplex 5A, Ogna type; EPIDERMOLYSIS BULLOSA SIMPLEX 5A, OGNA TYPE. Identifiers: Orphanet 79401, MedGen C0432317, MONDO:0007555, OMIM 131950.
Epidermolysis bullosa simplex with nail dystrophy (EBS5D). Identifiers: MedGen C4225309, MONDO:0014661, OMIM 616487.
Autosomal recessive limb-girdle muscular dystrophy type 2Q (LGMDR17). Also called: MUSCULAR DYSTROPHY, LIMB-GIRDLE, AUTOSOMAL RECESSIVE 17. Identifiers: Orphanet 254361, MedGen C3150989, MONDO:0013390, OMIM 613723.
Epidermolysis bullosa simplex 5C, with pyloric atresia (EBS5C). Also called: PLEC1-Related Epidermolysis Bullosa with Pyloric Atresia; PLEC-Related Epidermolysis Bullosa with Pyloric Atresia; Epidermolysis bullosa simplex with pyloric atresia. Identifiers: Orphanet 158684, MedGen C2677349, MONDO:0012807, OMIM 612138.

Allele frequency attached by ClinVar (database versions not stated): gnomAD exomes below 0.00001; TOPMed below 0.00001; gnomAD 0.00001.
gnomAD v4.1: 3 of 1,589,218 alleles (0.00019%); highest among the groups gnomAD compares: Middle Eastern, 0.017%; no homozygotes.

Submission:

Labcorp Genetics (formerly Invitae), Labcorp
Classification: Uncertain significance for Autosomal recessive limb-girdle muscular dystrophy type 2Q; Epidermolysis bullosa simplex, Ogna type; Epidermolysis bullosa simplex with nail dystrophy; Epidermolysis bullosa simplex 5C, with pyloric atresia; Epidermolysis bullosa simplex 5B, with muscular dystrophy. Last evaluated: 2021-02-25. Review status: criteria provided, single submitter. Criteria: Invitae Variant Classification Sherloc (09022015). Collection method: clinical testing. Allele origin: germline.
Comment: This sequence change replaces alanine with threonine at codon 1706 of the PLEC protein (p.Ala1706Thr). The alanine residue is highly conserved and there is a small physicochemical difference between alanine and threonine. This variant is not present in population databases (ExAC no frequency). This variant has not been reported in the literature in individuals with PLEC-related conditions. Algorithms developed to predict the effect of missense changes on protein structure and function are either unavailable or do not agree on the potential impact of this missense change (SIFT: "Deleterious"; PolyPhen-2: "Not Available"; Align-GVGD: "Class C0"). In summary, the available evidence is currently insufficient to determine the role of this variant in disease. Therefore, it has been classified as a Variant of Uncertain Significance.

NM_201384.3(PLEC):c.5035G>A (p.Ala1679Thr)

Gene: PLEC (plectin; minus strand). Cytogenetic location: 8q24.3.
Variant type: single nucleotide variant.
Coding change: c.5035G>A on transcript NM_201384.3 (MANE Select); coding-DNA position 5035, G replaced by A.
Protein change: p.Ala1679Thr; replaces alanine 1679 with threonine.
Molecular consequence: missense variant.
Genome position (GRCh38, 1-based): chr8:143,924,894, C>T on the plus strand (G>A on the coding strand, the complement: PLEC is on the minus strand). VCF-style: chr8-143924894-C-T. GRCh37 (hg19) VCF-style: chr8-144999062-C-T.
Other names: c.5116G>A, p.Ala1706Thr (NM_000445.5); c.4993G>A, p.Ala1665Thr (NM_201378.4); c.4969G>A, p.Ala1657Thr (NM_201379.3); c.5446G>A, p.Ala1816Thr (NM_201380.4); c.4939G>A, p.Ala1647Thr (NM_201381.3); c.5035G>A, p.Ala1679Thr (NM_201382.4); c.5047G>A, p.Ala1683Thr (NM_201383.3); short protein forms A1816T, A1679T, A1706T, A1647T, A1657T, A1683T, A1665T.
Identifiers: ClinVar variation 1463032 (VCV001463032.8), dbSNP rs1034420276, ClinGen allele CA187616343.